The following is an entry in ClinVar:

ClinVar aggregate classification (germline): Pathogenic/Likely pathogenic. Review status: criteria provided, multiple submitters, no conflicts (2 of 4 stars). 4 submissions from 4 submitters: Pathogenic (2); Likely pathogenic (1). 1 of the submissions does not count toward it. Last evaluated 2024-03-29.

Conditions:
HAX1-related disorders.
Kostmann syndrome (SCN3). Also called: KOSTMANN DISEASE; Autosomal recessive severe congenital neutropenia type 3. Identifiers: Orphanet 99749, MedGen C5235141, MONDO:0012548, OMIM 610738.

Submissions (4):

Genomic Medicine Center of Excellence, King Faisal Specialist Hospital and Research Centre
Classification: Likely pathogenic for Kostmann syndrome. Last evaluated: 2024-03-29. Review status: criteria provided, single submitter. Criteria: ACMG Guidelines, 2015. Collection method: clinical testing. Allele origin: germline.

Blueprint Genetics
Classification: Pathogenic for HAX1-related disorders. Last evaluated: 2022-04-05. Review status: criteria provided, single submitter. Criteria: ACMG Guidelines, 2015. Collection method: clinical testing. Allele origin: germline. Affected: yes. Observed: 1 variant allele.

Mayo Clinic Laboratories, Mayo Clinic
Classification: Pathogenic. Last evaluated: 2019-07-28. Review status: criteria provided, single submitter. Criteria: ACMG Guidelines, 2015. Collection method: clinical testing. Allele origin: germline. Observed: 3 variant alleles.
Comment: PVS1, PS3, PM2

Biochemical Molecular Genetic Laboratory, King Abdulaziz Medical City
Classification: Likely pathogenic for Kostmann syndrome. Last evaluated: 2019-09-26. Review status: no assertion criteria provided. Collection method: clinical testing. Allele origin: germline. Affected: yes. Not counted in ClinVar's aggregate classification.

Literature cited by the submitters: PubMed 20182745 (cited by Mayo Clinic Laboratories, Mayo Clinic); PubMed 24482108 (cited by Mayo Clinic Laboratories, Mayo Clinic); PubMed 28454995 (cited by Mayo Clinic Laboratories, Mayo Clinic).

NM_006118.4(HAX1):c.463dup (p.Gln155fs)

Gene: HAX1 (HCLS1 associated protein X-1; plus strand). Cytogenetic location: 1q21.3.
Variant type: Duplication.
Coding change: c.463dup on transcript NM_006118.4 (MANE Select); coding-DNA position 463, one base duplicated (C; older notation c.463dupC).
Protein change: p.Gln155fs; shifts the reading frame from glutamine 155.
Molecular consequence: frameshift variant.
Genome position (GRCh38, 1-based): chr1:154,273,920, C duplicated; the last of 6 consecutive C bases (chr1:154,273,915-154,273,920); duplicating any one gives the same sequence. VCF-style (leftmost placement, unchanged base first): chr1-154273914-T-TC. GRCh37 (hg19) VCF-style: chr1-154246390-T-TC.
Other names: c.463dupC (NM_006118.3); c.319dup, p.Gln107fs (NM_001018837.2); short protein forms Q155fs, Q107fs.
Identifiers: ClinVar variation 800902 (VCV000800902.8), dbSNP rs1572018886, ClinGen allele CA420951234.
Genomic context (GRCh38, chr1:154,273,914, plus strand): 5'-CCAGATAGTCACCAGCCCAGGATCTTTGGGGGGGTCTTGGAGAGTGATGCAAGAAGTGAA[T>TC]CCCCCCAACCAGCACCAGACTGGGGCTCCCAGAGGCCATTTCATAGGGTGAGTATCCCAT-3'